The following is an entry in ClinVar:

NM_001386393.1(PANK2):c.669T>G (p.Leu223=)

Gene: PANK2 (pantothenate kinase 2; plus strand). Cytogenetic location: 20p13.
Variant type: single nucleotide variant.
Coding change: c.669T>G on transcript NM_001386393.1 (MANE Select); coding-DNA position 669, T replaced by G.
Protein change: p.Leu223=; no amino-acid change (leucine 223 retained).
Molecular consequence: synonymous variant. On other transcripts: 5 prime UTR variant (1), non-coding transcript variant (1).
Genome position (GRCh38, 1-based): chr20:3,910,594, T>G. VCF-style: chr20-3910594-T-G. GRCh37 (hg19) VCF-style: chr20-3891241-T-G.
Other names: c.126T>G, p.Leu42= (NM_001324191.2, NM_024960.6, NM_153640.4); c.-310T>G (NM_001324193.2); c.999T>G, p.Leu333= (NM_153638.4).
Identifiers: ClinVar variation 4823735 (VCV004823735.4).

ClinVar aggregate classification (germline): Likely benign (1 of 4 stars; one submission).

Submission:

CeGaT Center for Human Genetics Tuebingen
Classification: Likely benign. Last evaluated: 2026-03-01. Review status: criteria provided, single submitter. Criteria: CeGaT Center For Human Genetics Tuebingen Variant Classification Criteria Version 2. Collection method: clinical testing. Allele origin: germline. Affected: yes. Observed: 1 variant allele.
Comment: PANK2: PM2:Supporting, BP4, BP7